The following is an entry in ClinVar:

NM_000504.4(F10):c.1036C>T (p.Arg346Cys)

Genes: F10 (coagulation factor X; plus strand), F10-AS2 (F10 antisense RNA 2; minus strand). Cytogenetic location: 13q34.
Variant type: single nucleotide variant.
Coding change: c.1036C>T on transcript NM_000504.4 (MANE Select); coding-DNA position 1036, C replaced by T.
Protein change: p.Arg346Cys; replaces arginine 346 with cysteine.
Molecular consequence: missense variant. On other transcripts: 3 prime UTR variant (1).
Genome position (GRCh38, 1-based): chr13:113,149,086, C>T. VCF-style: chr13-113149086-C-T. GRCh37 (hg19) VCF-style: chr13-113803400-C-T.
Other names: c.904C>T, p.Arg302Cys (NM_001312674.2); c.*27C>T (NM_001312675.2); short protein forms R302C, R346C.
Identifiers: ClinVar variation 2572129 (VCV002572129.1), dbSNP rs755110383, ClinGen allele CA7060670.

ClinVar aggregate classification (germline): Likely pathogenic (1 of 4 stars; one submission).

Conditions:
Hereditary factor X deficiency disease. Also called: Congenital factor X deficiency; STUART-PROWER FACTOR DEFICIENCY. Identifiers: Orphanet 328, MedGen C0272327, MONDO:0009212, OMIM 227600.

Allele frequency attached by ClinVar (database versions not stated): TOPMed below 0.00001; ExAC 0.00001; gnomAD 0.00001.
gnomAD v4.1: 4 of 1,613,122 alleles (0.00025%); highest among the groups gnomAD compares: East Asian, 0.0022%; no homozygotes.

Submission:

ISTH-SSC Genomics in Thrombosis and Hemostasis, KU Leuven, Center for Molecular and Vascular Biology
Classification: Likely pathogenic for Hereditary factor X deficiency disease. Review status: criteria provided, single submitter. Criteria: ACMG Guidelines, 2015. Collection method: clinical testing. Allele origin: germline. Affected: yes. Observed: 1 heterozygote.
Comment: Submitted to the GoldVariant database by Kathleen Freson, Center for Molecular and Vascular Biology